The following is an entry in ClinVar:

NM_032043.3(BRIP1):c.1276G>T (p.Val426Phe)

Gene: BRIP1 (BRCA1 interacting DNA helicase 1; minus strand). Cytogenetic location: 17q23.2.
Variant type: single nucleotide variant.
Coding change: c.1276G>T on transcript NM_032043.3 (MANE Select); coding-DNA position 1276, G replaced by T.
Protein change: p.Val426Phe; replaces valine 426 with phenylalanine.
Molecular consequence: missense variant.
Genome position (GRCh38, 1-based): chr17:61,799,164, C>A on the plus strand (G>T on the coding strand, the complement: BRIP1 is on the minus strand). VCF-style: chr17-61799164-C-A. GRCh37 (hg19) VCF-style: chr17-59876525-C-A.
Other names: short protein forms V426F.
Identifiers: ClinVar variation 4631024 (VCV004631024.1).

ClinVar aggregate classification (germline): Uncertain significance (1 of 4 stars; one submission).

Conditions:
Hereditary cancer-predisposing syndrome. Also called: Neoplastic Syndromes, Hereditary; Tumor predisposition; Hereditary Cancer Syndrome; Hereditary neoplastic syndrome. Identifiers: Orphanet 140162, MedGen C0027672, MeSH D009386, MONDO:0015356.

Submission:

Ambry Genetics
Classification: Uncertain significance for Hereditary cancer-predisposing syndrome. Last evaluated: 2025-11-12. Review status: criteria provided, single submitter. Criteria: Ambry Variant Classification Scheme 2023. Collection method: clinical testing. Allele origin: germline.
Comment: The p.V426F variant (also known as c.1276G>T), located in coding exon 8 of the BRIP1 gene, results from a G to T substitution at nucleotide position 1276. The valine at codon 426 is replaced by phenylalanine, an amino acid with highly similar properties. This amino acid position is highly conserved in available vertebrate species. In addition, the in silico prediction for this alteration is inconclusive. Based on the available evidence, the clinical significance of this variant remains unclear.